The following is an entry in ClinVar:

NM_000702.4(ATP1A2):c.3G>A (p.Met1Ile)

Gene: ATP1A2 (ATPase Na+/K+ transporting subunit alpha 2; plus strand). Cytogenetic location: 1q23.2.
Variant type: single nucleotide variant.
Coding change: c.3G>A on transcript NM_000702.4 (MANE Select); coding-DNA position 3, G replaced by A.
Protein change: p.Met1Ile; changes the start codon (methionine 1).
Molecular consequence: missense variant, initiator codon variant.
Genome position (GRCh38, 1-based): chr1:160,115,864, G>A. VCF-style: chr1-160115864-G-A. GRCh37 (hg19) VCF-style: chr1-160085654-G-A.
Other names: short protein forms M1I.
Identifiers: ClinVar variation 3715922 (VCV003715922.2).
Genomic context (GRCh38, chr1:160,115,864, plus strand): 5'-GCTTGGGATCCTCCTGGTGACCTCTCCCGCTAAGGTCCCTCAGCCACTCTGCCCCAAGAT[G>A]GGCCGTGGGGTGAGTATCCCTAAAGAGCAGGGGTCGCAGTCTAGAGGGTGAGGGAGGCTG-3'
Protein context (NP_000693.1, residues 1-11): [Met1Ile]GRGAGREYSP

ClinVar aggregate classification (germline): Uncertain significance (1 of 4 stars; one submission).

Conditions:
Familial hemiplegic migraine. Identifiers: MedGen C0338484, MONDO:0000700.

Submission:

Labcorp Genetics (formerly Invitae), Labcorp
Classification: Uncertain significance for Familial hemiplegic migraine. Last evaluated: 2024-08-15. Review status: criteria provided, single submitter. Criteria: Invitae Variant Classification Sherloc (09022015). Collection method: clinical testing. Allele origin: germline.
Comment: This sequence change affects the initiator methionine of the ATP1A2 mRNA. The next in-frame methionine is located at codon 39. This variant is not present in population databases (gnomAD no frequency). This variant has not been reported in the literature in individuals affected with ATP1A2-related conditions. In summary, the available evidence is currently insufficient to determine the role of this variant in disease. Therefore, it has been classified as a Variant of Uncertain Significance.